The following is an entry in ClinVar:

NM_145698.5(ACBD5):c.1436C>T (p.Ala479Val)

Gene: ACBD5 (acyl-CoA binding domain containing 5; minus strand). Cytogenetic location: 10p12.1.
Variant type: single nucleotide variant.
Coding change: c.1436C>T on transcript NM_145698.5 (MANE Select); coding-DNA position 1436, C replaced by T.
Protein change: p.Ala479Val; replaces alanine 479 with valine.
Molecular consequence: missense variant.
Genome position (GRCh38, 1-based): chr10:27,205,217, G>A on the plus strand (C>T on the coding strand, the complement: ACBD5 is on the minus strand). VCF-style: chr10-27205217-G-A. GRCh37 (hg19) VCF-style: chr10-27494146-G-A.
Other names: c.1331C>T, p.Ala444Val (NM_001042473.4, NM_001352577.2, NM_001352578.2 and 1 more transcripts); c.1430C>T, p.Ala477Val (NM_001271512.3); c.1109C>T, p.Ala370Val (NM_001301251.2, NM_001301252.2, NM_001301253.2 and 2 more transcripts); c.905C>T, p.Ala302Val (NM_001301254.2); c.1490C>T, p.Ala497Val (NM_001352568.1); c.1469C>T, p.Ala490Val (NM_001352569.1); c.1436C>T, p.Ala479Val (NM_001352570.1); c.1463C>T, p.Ala488Val (NM_001352571.1); and 10 more; short protein forms A376V, A409V, A426V, A411V, A422V, A455V, A472V, A477V.
Identifiers: ClinVar variation 953500 (VCV000953500.7), dbSNP rs368092255, ClinGen allele CA5450648.

ClinVar aggregate classification (germline): Uncertain significance (1 of 4 stars; one submission).

Allele frequency attached by ClinVar (database versions not stated): gnomAD exomes below 0.00001; ExAC 0.00001; gnomAD 0.00001 and 0.00002; TOPMed 0.00001; ESP Exome Variant Server 0.00008.
gnomAD v4.1: 4 of 1,613,076 alleles (0.00025%); highest among the groups gnomAD compares: African/African-American, 0.0013%; no homozygotes.

Submission:

Labcorp Genetics (formerly Invitae), Labcorp
Classification: Uncertain significance. Last evaluated: 2022-07-28. Review status: criteria provided, single submitter. Criteria: Invitae Variant Classification Sherloc (09022015). Collection method: clinical testing. Allele origin: germline.
Comment: This sequence change replaces alanine, which is neutral and non-polar, with valine, which is neutral and non-polar, at codon 479 of the ACBD5 protein (p.Ala479Val). This variant is not present in population databases (gnomAD no frequency). This variant has not been reported in the literature in individuals affected with ACBD5-related conditions. ClinVar contains an entry for this variant (Variation ID: 953500). Algorithms developed to predict the effect of missense changes on protein structure and function (SIFT, PolyPhen-2, Align-GVGD) all suggest that this variant is likely to be tolerated. In summary, the available evidence is currently insufficient to determine the role of this variant in disease. Therefore, it has been classified as a Variant of Uncertain Significance.